The following is an entry in ClinVar:

ClinVar aggregate classification (germline): Likely pathogenic (1 of 4 stars; one submission).

Conditions:
Dilated cardiomyopathy 1G (CMD1G). Identifiers: Orphanet 154, MedGen C1858763, MONDO:0011400, OMIM 604145.
Autosomal recessive limb-girdle muscular dystrophy type 2J (LGMDR10). Also called: Limb-girdle muscular dystrophy, type 2J; MUSCULAR DYSTROPHY, LIMB-GIRDLE, AUTOSOMAL RECESSIVE 10. Identifiers: Orphanet 140922, MedGen C1837342, MONDO:0012127, OMIM 608807.

Submission:

Labcorp Genetics (formerly Invitae), Labcorp
Classification: Likely pathogenic for Dilated cardiomyopathy 1G; Autosomal recessive limb-girdle muscular dystrophy type 2J. Last evaluated: 2024-10-18. Review status: criteria provided, single submitter. Criteria: Invitae Variant Classification Sherloc (09022015). Collection method: clinical testing. Allele origin: germline.
Comment: This sequence change creates a premature translational stop signal (p.Lys15450Ilefs*2) in the TTN gene. While this is not anticipated to result in nonsense mediated decay, it is expected to create a truncated TTN protein. This variant is not present in population databases (gnomAD no frequency). This variant has not been reported in the literature in individuals affected with TTN-related conditions. Algorithms developed to predict the effect of sequence changes on RNA splicing suggest that this variant may disrupt the consensus splice site. This variant is located in the I band of TTN (PMID: 25589632). Truncating variants in this region have been reported in individuals affected with autosomal recessive centronuclear myopathy (PMID: 23975875, internal data). Truncating variants in this region have also been identified in individuals affected with autosomal dominant dilated cardiomyopathy and/or cardio-related conditions (PMID: 27869827, 32964742, internal data). In summary, the currently available evidence indicates that the variant is pathogenic, but additional data are needed to prove that conclusively. Therefore, this variant has been classified as Likely Pathogenic.

Literature cited by the submitters: PubMed 25589632; PubMed 23975875; PubMed 27869827; PubMed 32964742.

NM_001267550.2(TTN):c.46344_46348dup (p.Lys15450delinsIleTer)

Genes: TTN (titin; minus strand), TTN-AS1 (TTN antisense RNA 1; plus strand). Cytogenetic location: 2q31.2.
Variant type: Duplication.
Coding change: c.46344_46348dup on transcript NM_001267550.2 (MANE Select); coding-DNA positions 46344 to 46348, 5 bases duplicated (TATAA; older notation c.46344_46348dupTATAA).
Protein change: p.Lys15450delinsIleTer.
Molecular consequence: nonsense. On other transcripts: non-coding transcript variant (1).
Genome position (GRCh38, 1-based): chr2:178,620,069-178,620,073, TTATA duplicated on the plus strand (TATAA on the coding strand, the reverse complement: TTN is on the minus strand). VCF-style (leftmost placement, unchanged base first): chr2-178620068-T-TTTATA. GRCh37 (hg19) VCF-style: chr2-179484795-T-TTTATA.
Other names: c.19149_19153dup, p.Lys6385delinsIleTer (NM_003319.4); c.38640_38644dup, p.Lys12882delinsIleTer (NM_133378.4); c.19524_19528dup, p.Lys6510delinsIleTer (NM_133432.3); c.19725_19729dup, p.Lys6577delinsIleTer (NM_133437.4); c.41421_41425dup, p.Lys13809delinsIleTer (NM_001256850.1).
Identifiers: ClinVar variation 2948963 (VCV002948963.3), dbSNP rs2470985174, ClinGen allele CA2740096142.
Genomic context (GRCh38, chr2:178,620,068, plus strand): 5'-CGAGACTTCCTGTCTTCTACCCCGCAAGCATATTCACACTCATCATCCAGCCTGCAATCT[T>TTTATA]TTATAATGAGTCTGTGTATACTTCCATCTTTTTCAAATTTGTATCTAAAGGAGACATTGG-3'